The following is an entry in ClinVar:

ClinVar aggregate classification (germline): Uncertain significance (1 of 4 stars; one submission).

Conditions:
SEMA3A-related disorder. Also called: SEMA3A-related condition.

gnomAD v4.1: 60 of 1,613,894 alleles (0.0037%); highest among the groups gnomAD compares: Non-Finnish European, 0.0049%; no homozygotes.

Submission:

PreventionGenetics, part of Exact Sciences
Classification: Uncertain significance for SEMA3A-related condition. Last evaluated: 2025-04-25. Review status: criteria provided, single submitter. Criteria: ACMG Guidelines, 2015. Collection method: clinical testing. Allele origin: germline.
Comment: The SEMA3A c.160A>G variant is predicted to result in the amino acid substitution p.Ser54Gly. This variant was reported in an individual with Hirschsprung disease (Jiang et al. 2015. PubMed ID: 25839327). This variant is reported in 0.0029% of alleles in individuals of Latino descent in gnomAD. At this time, the clinical significance of this variant is uncertain due to the absence of conclusive functional and genetic evidence.

NM_006080.3(SEMA3A):c.160A>G (p.Ser54Gly)

Gene: SEMA3A (semaphorin 3A; minus strand). Cytogenetic location: 7q21.11.
Variant type: single nucleotide variant.
Coding change: c.160A>G on transcript NM_006080.3 (MANE Select); coding-DNA position 160, A replaced by G.
Protein change: p.Ser54Gly; replaces serine 54 with glycine.
Molecular consequence: missense variant.
Genome position (GRCh38, 1-based): chr7:84,134,904, T>C on the plus strand (A>G on the coding strand, the complement: SEMA3A is on the minus strand). VCF-style: chr7-84134904-T-C. GRCh37 (hg19) VCF-style: chr7-83764220-T-C.
Other names: short protein forms S54G.
Identifiers: ClinVar variation 3357840 (VCV003357840.2).
Genomic context (GRCh38, chr7:84,134,904, plus strand): 5'-TTGCTCCAACATACAGCCTACTCCGTTCCTCATCCAAAAGGAAGGTATGATAACTGGAGC[T>C]GTTGGCCAAGCCATTGAAAGTGATCACATTGTTGGATTCCAACATTTCTGCAAGGTAACA-3'
Protein context (NP_006071.1, residues 44-64): NVITFNGLAN[Ser54Gly]SSYHTFLLDE